The following is an entry in ClinVar:

ClinVar aggregate classification (germline): Uncertain significance. Review status: criteria provided, multiple submitters, no conflicts (2 of 4 stars). 5 submissions from 4 submitters: Uncertain significance (5). Last evaluated 2023-10-27.

Conditions:
Cardiovascular phenotype. Identifiers: MedGen CN230736.
Fibromatosis, gingival, 1 (GINGF1). Identifiers: Orphanet 2024, MedGen C4551558, MONDO:0007609, OMIM 135300.
Noonan syndrome 4 (NS4). Also called: SOS1-Related Noonan Syndrome; NOONAN SYNDROME WITH PIGMENTED VILLONODULAR SYNOVITIS. Identifiers: Orphanet 648, MedGen C1853120, MONDO:0012547, OMIM 610733.

Allele frequency attached by ClinVar (database versions not stated): gnomAD exomes below 0.00001 and 0.00001; TOPMed below 0.00001; ExAC 0.00002.
gnomAD v4.1: 6 of 1,613,900 alleles (0.00037%); highest among the groups gnomAD compares: East Asian, 0.0022%; no homozygotes.

Submissions (5):

Ambry Genetics
Classification: Uncertain significance for Cardiovascular phenotype. Last evaluated: 2023-10-27. Review status: criteria provided, single submitter. Criteria: Ambry Variant Classification Scheme 2023. Collection method: clinical testing. Allele origin: germline.
Comment: The p.P1086L variant (also known as c.3257C>T), located in coding exon 20 of the SOS1 gene, results from a C to T substitution at nucleotide position 3257. The proline at codon 1086 is replaced by leucine, an amino acid with similar properties. This amino acid position is conserved. In addition, the in silico prediction for this alteration is inconclusive. Since supporting evidence is limited at this time, the clinical significance of this alteration remains unclear.

Women's Health and Genetics/Laboratory Corporation of America, LabCorp
Classification: Uncertain significance. Last evaluated: 2021-04-26. Review status: criteria provided, single submitter. Criteria: LabCorp Variant Classification Summary - May 2015. Collection method: clinical testing. Allele origin: germline.
Comment: Variant summary: SOS1 c.3257C>T (p.Pro1086Leu) results in a non-conservative amino acid change in the encoded protein sequence. Five of five in-silico tools predict a damaging effect of the variant on protein function. The variant allele was found at a frequency of 1.2e-05 in 251050 control chromosomes. The available data on variant occurrences in the general population are insufficient to allow any conclusion about variant significance. To our knowledge, no occurrence of c.3257C>T in individuals affected with Noonan Syndrome and no experimental evidence demonstrating its impact on protein function have been reported. No clinical diagnostic laboratories have submitted clinical-significance assessments for this variant to ClinVar after 2014. Based on the evidence outlined above, the variant was classified as uncertain significance.

GeneDx
Classification: Uncertain significance. Last evaluated: 2012-05-10. Review status: criteria provided, single submitter. Criteria: GeneDx Variant Classification (06012015). Collection method: clinical testing. Allele origin: germline. Affected: yes.
Comment: The P1086L missense substitution has not been published as a mutation, nor has it been reported as a benign polymorphism to our knowledge. P1086L is a non-conservative amnio acid substitution as a Proline residue with a unique ring structure is replaced with a Leucine residue at a position that is highly conserved across species and related proteins. The NHLBI ESP Exome Variant Server reports P1086L was not observed in approximately 5,000 samples from individuals of European and African American backgrounds, indicating it is not a common benign variant in these populations. However, mutations beyond codon Proline 894 have not been reported in the literature. The variant is found in NOONAN panel(s).

Genome-Nilou Lab
Classification: Uncertain significance for Noonan syndrome 4. Review status: criteria provided, single submitter. Criteria: ACMG Guidelines, 2015. Collection method: clinical testing. Allele origin: germline.

Genome-Nilou Lab
Classification: Uncertain significance for Fibromatosis, gingival, 1. Review status: criteria provided, single submitter. Criteria: ACMG Guidelines, 2015. Collection method: clinical testing. Allele origin: germline.

NM_005633.4(SOS1):c.3257C>T (p.Pro1086Leu)

Gene: SOS1 (SOS Ras/Rac guanine nucleotide exchange factor 1; minus strand). Cytogenetic location: 2p22.1.
Variant type: single nucleotide variant.
Coding change: c.3257C>T on transcript NM_005633.4 (MANE Select); coding-DNA position 3257, C replaced by T.
Protein change: p.Pro1086Leu; replaces proline 1086 with leucine.
Molecular consequence: missense variant.
Genome position (GRCh38, 1-based): chr2:38,995,212, G>A on the plus strand (C>T on the coding strand, the complement: SOS1 is on the minus strand). VCF-style: chr2-38995212-G-A. GRCh37 (hg19) VCF-style: chr2-39222353-G-A.
Other names: p.P1086L:CCG>CTG; c.3236C>T, p.Pro1079Leu (NM_001382394.1); c.3257C>T, p.Pro1086Leu (NM_001382395.1); short protein forms P1086L, P1079L.
Identifiers: ClinVar variation 40721 (VCV000040721.5), dbSNP rs730881028, ClinGen allele CA297210.
Genomic context (GRCh38, chr2:38,995,212, plus strand): 5'-TCAAATACACTGCAAACATCTGTGGTACTGGAAGCACCAGAAGCAGGCGGAGGTGTTAAC[G>A]GTGTTCTTGGAGAATTTGGTGCAGATGCTGTACTTTCTGTTTCACTTTCAGGGATCCTAC-3'
Protein context (NP_005624.2, residues 1076-1096): TASAPNSPRT[Pro1086Leu]LTPPPASGAS